The following is an entry in ClinVar:

NM_030632.3(ASXL3):c.3966G>T (p.Gln1322His)

Gene: ASXL3 (ASXL transcriptional regulator 3; plus strand). Cytogenetic location: 18q12.1.
Variant type: single nucleotide variant.
Coding change: c.3966G>T on transcript NM_030632.3 (MANE Select); coding-DNA position 3966, G replaced by T.
Protein change: p.Gln1322His; replaces glutamine 1322 with histidine.
Molecular consequence: missense variant.
Genome position (GRCh38, 1-based): chr18:33,743,814, G>T. VCF-style: chr18-33743814-G-T. GRCh37 (hg19) VCF-style: chr18-31323778-G-T.
Other names: short protein forms Q1322H.
Identifiers: ClinVar variation 3391248 (VCV003391248.1).

ClinVar aggregate classification (germline): Uncertain significance (1 of 4 stars; one submission).

Conditions:
Bainbridge-Ropers syndrome. Also called: Severe feeding difficulties-failure to thrive-microcephaly due to ASXL3 deficiency syndrome. Identifiers: Orphanet 352577, MedGen C4750837, MONDO:0014205, OMIM 615485.

Submission:

Neuberg Centre For Genomic Medicine, NCGM
Classification: Uncertain significance for Bainbridge-Ropers syndrome. Last evaluated: 2023-07-22. Review status: criteria provided, single submitter. Criteria: ACMG Guidelines, 2015. Collection method: clinical testing. Allele origin: germline. Inheritance: Autosomal dominant inheritance. Affected: yes.
Comment: The observed missense c.3966G>Tp.Gln1322His variant in ASXL3 gene has not been reported previously as a pathogenic variant nor as a benign variant, to our knowledge. The p.Gln1322His variant is absent in gnomAD Exomes database. This variant has not been submitted to the ClinVar database. Computational evidence Polyphen - Benign, SIFT - Damaging and MutationTaster -polymorphism predicts conflicting evidence on protein structure and function for this variant. The reference amino acid in ASXL3 is predicted as conserved by GERP++ and PhyloP across 100 vertebrates. The amino acid Gln at position 1322 is changed to a His changing protein sequence and it might alter its composition and physico-chemical properties. For these reasons, this variant has been classified as Uncertain Significance VUS.